The following is an entry in ClinVar:

ClinVar aggregate classification (germline): Uncertain significance (1 of 4 stars; one submission).

gnomAD v4.1: 30 of 1,517,446 alleles (0.002%); highest among the groups gnomAD compares: Middle Eastern, 0.017%; no homozygotes.

Submission:

GeneDx
Classification: Uncertain significance. Last evaluated: 2023-10-11. Review status: criteria provided, single submitter. Criteria: GeneDx Variant Classification Process June 2021. Collection method: clinical testing. Allele origin: germline. Affected: yes.
Comment: In silico analysis supports that this missense variant has a deleterious effect on protein structure/function; Has not been previously published as pathogenic or benign to our knowledge

NM_000103.4(CYP19A1):c.376G>A (p.Gly126Ser)

Genes: CYP19A1 (cytochrome P450 family 19 subfamily A member 1; minus strand), MIR4713HG (MIR4713 host gene; plus strand), PIRC66 (piwi-interacting RNA cluster 66; plus strand). Cytogenetic location: 15q21.2.
Variant type: single nucleotide variant.
Coding change: c.376G>A on transcript NM_000103.4 (MANE Select); coding-DNA position 376, G replaced by A.
Protein change: p.Gly126Ser; replaces glycine 126 with serine.
Molecular consequence: missense variant.
Genome position (GRCh38, 1-based): chr15:51,227,854, C>T on the plus strand (G>A on the coding strand, the complement: CYP19A1 is on the minus strand). VCF-style: chr15-51227854-C-T. GRCh37 (hg19) VCF-style: chr15-51520051-C-T.
Other names: c.376G>A, p.Gly126Ser (NM_001347248.1, NM_001347249.2, NM_001347250.2 and 7 more transcripts); short protein forms G126S.
Identifiers: ClinVar variation 3252486 (VCV003252486.1), dbSNP rs745845217.
Genomic context (GRCh38, chr15:51,227,854, plus strand): 5'-GTCGAGTTGTTTTCCAGAGCTCTGGATTGTTGTTAAATATGATGCCTTTCTCATGCATAC[C>T]GATGCACTGCAGCCCAAGTTTGCTGCCGAATCGAGAGCTGTAATGATTGTGCTTCATTAT-3'
Protein context (NP_000094.2, residues 116-136): FGSKLGLQCI[Gly126Ser]MHEKGIIFNN